The following is an entry in ClinVar:

NM_002232.5(KCNA3):c.204T>C (p.Asp68=)

Gene: KCNA3 (potassium voltage-gated channel subfamily A member 3; minus strand). Cytogenetic location: 1p13.3.
Variant type: single nucleotide variant.
Coding change: c.204T>C on transcript NM_002232.5 (MANE Select); coding-DNA position 204, T replaced by C.
Protein change: p.Asp68=; no amino-acid change (aspartic acid 68 retained).
Molecular consequence: synonymous variant.
Genome position (GRCh38, 1-based): chr1:110,674,606, A>G on the plus strand (T>C on the coding strand, the complement: KCNA3 is on the minus strand). VCF-style: chr1-110674606-A-G. GRCh37 (hg19) VCF-style: chr1-111217228-A-G.
Identifiers: ClinVar variation 4821244 (VCV004821244.4).

ClinVar aggregate classification (germline): Likely benign (1 of 4 stars; one submission).

gnomAD v4.1: 925 of 1,564,286 alleles (0.059%); highest among the groups gnomAD compares: Non-Finnish European, 0.07%; no homozygotes.

Submission:

CeGaT Center for Human Genetics Tuebingen
Classification: Likely benign. Last evaluated: 2026-03-01. Review status: criteria provided, single submitter. Criteria: CeGaT Center For Human Genetics Tuebingen Variant Classification Criteria Version 2. Collection method: clinical testing. Allele origin: germline. Affected: yes. Observed: 1 variant allele.
Comment: KCNA3: BP4, BP7